The following is an entry in ClinVar:

ClinVar aggregate classification (germline): Pathogenic. Review status: criteria provided, multiple submitters, no conflicts (2 of 4 stars). 5 submissions from 5 submitters: Pathogenic (4). 1 of the submissions does not count toward it. Last evaluated 2026-01-06.

Conditions:
XPC-related disorder. Also called: XPC-related condition.
Xeroderma pigmentosum, group C (XPC). Also called: Xeroderma pigmentosum, complementation group C; XERODERMA PIGMENTOSUM III; XP, GROUP C; XPC-Related Xeroderma Pigmentosum. Identifiers: Orphanet 910, MedGen C2752147, MONDO:0010211, OMIM 278720.

Submissions (5):

Labcorp Genetics (formerly Invitae), Labcorp
Classification: Pathogenic. Last evaluated: 2026-01-06. Review status: criteria provided, single submitter. Criteria: Invitae Variant Classification Sherloc (09022015). Collection method: clinical testing. Allele origin: germline.
Comment: This sequence change creates a premature translational stop signal (p.Ala116Tyrfs*4) in the XPC gene. It is expected to result in an absent or disrupted protein product. Loss-of-function variants in XPC are known to be pathogenic (PMID: 23173980, 25256075). This variant is present in population databases (no rsID available, gnomAD 0.002%). This premature translational stop signal has been observed in individual(s) with xeroderma pigmentosum (PMID: 23173980). For these reasons, this variant has been classified as Pathogenic.

Blueprint Genetics
Classification: Pathogenic for XPC-related disorders. Last evaluated: 2024-10-28. Review status: criteria provided, single submitter. Criteria: ACMG Guidelines, 2015. Collection method: clinical testing. Allele origin: germline. Affected: yes. Observed: 2 variant alleles.

Baylor Genetics
Classification: Pathogenic for Xeroderma pigmentosum, group C. Last evaluated: 2023-12-26. Review status: criteria provided, single submitter. Criteria: ACMG Guidelines, 2015. Collection method: clinical testing. Allele origin: unknown.

CeGaT Center for Human Genetics Tuebingen
Classification: Pathogenic. Last evaluated: 2021-06-01. Review status: criteria provided, single submitter. Criteria: CeGaT Center For Human Genetics Tuebingen Variant Classification Criteria Version 2. Collection method: clinical testing. Allele origin: germline. Affected: yes. Observed: 1 variant allele.

Counsyl
Classification: Pathogenic for Xeroderma pigmentosum, group C. Last evaluated: 2017-08-02. Review status: no assertion criteria provided. Collection method: clinical testing. Allele origin: unknown. Not counted in ClinVar's aggregate classification.

Literature cited by the submitters: PubMed 23173980 (cited by Labcorp Genetics (formerly Invitae), Labcorp and Counsyl); PubMed 25256075 (cited by Labcorp Genetics (formerly Invitae), Labcorp).

NM_004628.5(XPC):c.342_343del (p.Ala116fs)

Gene: XPC (XPC complex subunit, DNA damage recognition and repair factor; minus strand). Cytogenetic location: 3p25.1.
Variant type: Microsatellite.
Coding change: c.342_343del on transcript NM_004628.5 (MANE Select); coding-DNA positions 342 to 343, 2 bases deleted (AG; older notation c.342_343delAG).
Protein change: p.Ala116fs; shifts the reading frame from alanine 116.
Molecular consequence: frameshift variant. On other transcripts: 5 prime UTR variant (1), non-coding transcript variant (2).
Genome position (GRCh38, 1-based): chr3:14,170,507-14,170,508, CT deleted on the plus strand (AG on the coding strand, the reverse complement: XPC is on the minus strand); deleting any 2 consecutive bases within chr3:14,170,507-14,170,512 gives the same sequence; the c. name uses the placement nearest the transcript's 3' end. VCF-style (leftmost placement, unchanged base first): chr3-14170506-CCT-C. GRCh37 (hg19) VCF-style: chr3-14212006-CCT-C.
Other names: c.342_343delAG (NM_004628.4); c.-118AG[2] (NM_001354726.2); c.342_343del, p.Ala116fs (NM_001354727.2, NM_001354730.2); c.324_325del, p.Ala110fs (NM_001354729.2); short protein forms A110fs, A116fs.
Identifiers: ClinVar variation 553148 (VCV000553148.44), dbSNP rs1228981894, ClinGen allele CA541302168.
Genomic context (GRCh38, chr3:14,170,506, plus strand): 5'-TCTTCCCAATCATTTTCACTTTCTTCCTCTTCTTCATTGCTGTCTTCATTCATGGTAGCC[CCT>C]CTCTTCAGATGGTGTGCCTTCTTGAGGTCACTTGGAAAGTCCCTGTGTAAAGACCACAGG-3'